The following is an entry in ClinVar:

NM_001918.5(DBT):c.1170T>G (p.Asp390Glu)

Gene: DBT (dihydrolipoamide branched chain transacylase E2; minus strand). Cytogenetic location: 1p21.2.
Variant type: single nucleotide variant.
Coding change: c.1170T>G on transcript NM_001918.5 (MANE Select); coding-DNA position 1170, T replaced by G.
Protein change: p.Asp390Glu; replaces aspartic acid 390 with glutamic acid.
Molecular consequence: missense variant.
Genome position (GRCh38, 1-based): chr1:100,206,484, A>C on the plus strand (T>G on the coding strand, the complement: DBT is on the minus strand). VCF-style: chr1-100206484-A-C. GRCh37 (hg19) VCF-style: chr1-100672040-A-C.
Other names: short protein forms D390E.
Identifiers: ClinVar variation 864493 (VCV000864493.7), dbSNP rs1661798658, ClinGen allele CA341330502.

ClinVar aggregate classification (germline): Uncertain significance (1 of 4 stars; one submission).

Conditions:
Maple syrup urine disease (MSUD). Identifiers: Orphanet 511, MedGen C0024776, MeSH D008375, MONDO:0009563. Disease mechanism: loss of function.

Allele frequency attached by ClinVar (database versions not stated): gnomAD exomes below 0.00001.
gnomAD v4.1: 3 of 1,613,932 alleles (0.00019%); highest among the groups gnomAD compares: Admixed American, 0.005%; no homozygotes.

Submission:

Labcorp Genetics (formerly Invitae), Labcorp
Classification: Uncertain significance for Maple syrup urine disease. Last evaluated: 2022-08-15. Review status: criteria provided, single submitter. Criteria: Invitae Variant Classification Sherloc (09022015). Collection method: clinical testing. Allele origin: germline.
Comment: This sequence change replaces aspartic acid, which is acidic and polar, with glutamic acid, which is acidic and polar, at codon 390 of the DBT protein (p.Asp390Glu). This variant is not present in population databases (gnomAD no frequency). This variant has not been reported in the literature in individuals affected with DBT-related conditions. ClinVar contains an entry for this variant (Variation ID: 864493). Advanced modeling of protein sequence and biophysical properties (such as structural, functional, and spatial information, amino acid conservation, physicochemical variation, residue mobility, and thermodynamic stability) performed at Invitae indicates that this missense variant is not expected to disrupt DBT protein function. In summary, the available evidence is currently insufficient to determine the role of this variant in disease. Therefore, it has been classified as a Variant of Uncertain Significance.